The following is an entry in ClinVar:

ClinVar aggregate classification (germline): Likely benign (1 of 4 stars; one submission).

Allele frequency attached by ClinVar (database versions not stated): 1000 Genomes Project 0.00519; 1000 Genomes Project 30x 0.00562; TOPMed 0.00813; gnomAD 0.01187 and 0.01205.
gnomAD v4.1: 1,787 of 152,196 alleles (1.2%); highest among the groups gnomAD compares: Non-Finnish European, 1.7%; 17 homozygotes.

Submission:

GeneDx
Classification: Likely benign. Last evaluated: 2018-06-19. Review status: criteria provided, single submitter. Criteria: GeneDx Variant Classification (06012015). Collection method: clinical testing. Allele origin: germline. Affected: yes.
Comment: This variant is considered likely benign or benign based on one or more of the following criteria: it is a conservative change, it occurs at a poorly conserved position in the protein, it is predicted to be benign by multiple in silico algorithms, and/or has population frequency not consistent with disease.

NM_182961.4(SYNE1):c.5422-282T>C

Gene: SYNE1 (spectrin repeat containing nuclear envelope protein 1; minus strand). Cytogenetic location: 6q25.2.
Variant type: single nucleotide variant.
Coding change: c.5422-282T>C on transcript NM_182961.4 (MANE Select); 282 bases into the intron before coding-DNA position 5422, T replaced by C.
Molecular consequence: intron variant.
Genome position (GRCh38, 1-based): chr6:152,417,297, A>G on the plus strand (T>C on the coding strand, the complement: SYNE1 is on the minus strand). VCF-style: chr6-152417297-A-G. GRCh37 (hg19) VCF-style: chr6-152738432-A-G.
Other names: c.5443-282T>C (NM_033071.5).
Identifiers: ClinVar variation 674141 (VCV000674141.1), dbSNP rs369467530, ClinGen allele CA150208066.